The following is an entry in ClinVar:

NM_201253.3(CRB1):c.2869C>T (p.Gln957Ter)

Gene: CRB1 (crumbs cell polarity complex component 1; plus strand). Cytogenetic location: 1q31.3.
Variant type: single nucleotide variant.
Coding change: c.2869C>T on transcript NM_201253.3 (MANE Select); coding-DNA position 2869, C replaced by T.
Protein change: p.Gln957Ter; replaces glutamine 957 with a stop codon.
Molecular consequence: nonsense. On other transcripts: non-coding transcript variant (2), intron variant (1).
Genome position (GRCh38, 1-based): chr1:197,434,732, C>T. VCF-style: chr1-197434732-C-T. GRCh37 (hg19) VCF-style: chr1-197403862-C-T.
Other names: c.2533C>T, p.Gln845Ter (NM_001193640.2); c.2797C>T, p.Gln933Ter (NM_001257965.2); c.2129-868C>T (NM_001257966.2); short protein forms Q957*, Q845*, Q933*.
Identifiers: ClinVar variation 236479 (VCV000236479.7), dbSNP rs878853371, ClinGen allele CA10581631.

ClinVar aggregate classification (germline): Pathogenic. Review status: criteria provided, single submitter (1 of 4 stars). 2 submissions from 2 submitters: Pathogenic (1). 1 of the submissions does not count toward it. Last evaluated 2023-05-09.

Conditions:
Retinitis pigmentosa 12 (RP12). Also called: RETINITIS PIGMENTOSA WITH OR WITHOUT PARAARTERIOLAR PRESERVATION OF RETINAL PIGMENT EPITHELIUM; RP WITH OR WITHOUT PPRPE; RP WITH OR WITHOUT PRESERVED PARAARTERIOLE RETINAL PIGMENT EPITHELIUM. Identifiers: Orphanet 791, MedGen C1838647, MONDO:0010818, OMIM 600105.
Leber congenital amaurosis 8 (LCA8). Identifiers: Orphanet 65, MedGen C3151202, MONDO:0013453, OMIM 613835.
Retinal dystrophy. Also called: Inherited retinal dystrophy. Identifiers: Orphanet 71862, MedGen C0854723, MeSH D058499, MONDO:0019118, HP:0000556.

Allele frequency attached by ClinVar (database versions not stated): gnomAD exomes below 0.00001.
gnomAD v4.1: 1 of 1,613,392 alleles (0.000062%); highest among the groups gnomAD compares: African/African-American, 0.0013%; no homozygotes.

Submissions (2):

Labcorp Genetics (formerly Invitae), Labcorp
Classification: Pathogenic for Leber congenital amaurosis 8; Retinitis pigmentosa 12. Last evaluated: 2023-05-09. Review status: criteria provided, single submitter. Criteria: Invitae Variant Classification Sherloc (09022015). Collection method: clinical testing. Allele origin: germline.
Comment: For these reasons, this variant has been classified as Pathogenic. ClinVar contains an entry for this variant (Variation ID: 236479). This premature translational stop signal has been observed in individual(s) with inherited retinal disease (PMID: 27208204). This variant is not present in population databases (gnomAD no frequency). This sequence change creates a premature translational stop signal (p.Gln957*) in the CRB1 gene. It is expected to result in an absent or disrupted protein product. Loss-of-function variants in CRB1 are known to be pathogenic (PMID: 10508521, 22065545, 23379534, 25412400, 26957898, 28041643, 29391521).

Centre for Genomic Medicine, Manchester, Central Manchester University Hospitals
Classification: Likely pathogenic for Retinal dystrophy. Review status: no assertion criteria provided. Collection method: clinical testing. Allele origin: germline. Affected: yes. Not counted in ClinVar's aggregate classification.

Literature cited by the submitters: PubMed 27208204 (cited by Labcorp Genetics (formerly Invitae), Labcorp); PubMed 10508521 (cited by Labcorp Genetics (formerly Invitae), Labcorp); PubMed 22065545 (cited by Labcorp Genetics (formerly Invitae), Labcorp); PubMed 23379534 (cited by Labcorp Genetics (formerly Invitae), Labcorp); PubMed 25412400 (cited by Labcorp Genetics (formerly Invitae), Labcorp); PubMed 26957898 (cited by Labcorp Genetics (formerly Invitae), Labcorp); PubMed 28041643 (cited by Labcorp Genetics (formerly Invitae), Labcorp); PubMed 29391521 (cited by Labcorp Genetics (formerly Invitae), Labcorp).